The following is an entry in ClinVar:

NM_004526.4(MCM2):c.982A>G (p.Asn328Asp)

Gene: MCM2 (minichromosome maintenance complex component 2; plus strand). Cytogenetic location: 3q21.3.
Variant type: single nucleotide variant.
Coding change: c.982A>G on transcript NM_004526.4 (MANE Select); coding-DNA position 982, A replaced by G.
Protein change: p.Asn328Asp; replaces asparagine 328 with aspartic acid.
Molecular consequence: missense variant. On other transcripts: non-coding transcript variant (1).
Genome position (GRCh38, 1-based): chr3:127,606,698, A>G. VCF-style: chr3-127606698-A-G. GRCh37 (hg19) VCF-style: chr3-127325541-A-G.
Other names: short protein forms N328D.
Identifiers: ClinVar variation 3675099 (VCV003675099.2).

ClinVar aggregate classification (germline): Uncertain significance (1 of 4 stars; one submission).

gnomAD v4.1: 6 of 1,614,104 alleles (0.00037%); highest among the groups gnomAD compares: East Asian, 0.011%; no homozygotes.

Submission:

Labcorp Genetics (formerly Invitae), Labcorp
Classification: Uncertain significance. Last evaluated: 2024-09-19. Review status: criteria provided, single submitter. Criteria: Invitae Variant Classification Sherloc (09022015). Collection method: clinical testing. Allele origin: germline.
Comment: This sequence change replaces asparagine, which is neutral and polar, with aspartic acid, which is acidic and polar, at codon 328 of the MCM2 protein (p.Asn328Asp). This variant is present in population databases (rs770973528, gnomAD 0.04%). This variant has not been reported in the literature in individuals affected with MCM2-related conditions. Invitae Evidence Modeling of protein sequence and biophysical properties (such as structural, functional, and spatial information, amino acid conservation, physicochemical variation, residue mobility, and thermodynamic stability) indicates that this missense variant is not expected to disrupt MCM2 protein function with a negative predictive value of 80%. In summary, the available evidence is currently insufficient to determine the role of this variant in disease. Therefore, it has been classified as a Variant of Uncertain Significance.